The following is an entry in ClinVar:

ClinVar aggregate classification (germline): Conflicting classifications of pathogenicity. Review status: criteria provided, conflicting classifications (1 of 4 stars). 2 submissions from 2 submitters: Uncertain significance (1); Likely benign (1). Last evaluated 2022-04-01.

Allele frequency attached by ClinVar (database versions not stated): 1000 Genomes Project 0.00040; 1000 Genomes Project 30x 0.00047; ExAC 0.00063; gnomAD 0.00074; ESP Exome Variant Server 0.00092; TOPMed 0.00108; gnomAD exomes 0.00121.
gnomAD v4.1: 1,871 of 1,613,940 alleles (0.12%); highest among the groups gnomAD compares: Non-Finnish European, 0.14%; 3 homozygotes.

Submissions (2):

CeGaT Center for Human Genetics Tuebingen
Classification: Likely benign. Last evaluated: 2022-04-01. Review status: criteria provided, single submitter. Criteria: CeGaT Center For Human Genetics Tuebingen Variant Classification Criteria Version 2. Collection method: clinical testing. Allele origin: germline. Affected: yes. Observed: 1 variant allele.
Comment: PHF3: BP4

Ambry Genetics
Classification: Uncertain significance. Last evaluated: 2021-09-17. Review status: criteria provided, single submitter. Criteria: Ambry Variant Classification Scheme 2023. Collection method: clinical testing. Allele origin: germline.

NM_001370348.2(PHF3):c.1214C>T (p.Ala405Val)

Gene: PHF3 (PHD finger protein 3; plus strand). Cytogenetic location: 6q12.
Variant type: single nucleotide variant.
Coding change: c.1214C>T on transcript NM_001370348.2 (MANE Select); coding-DNA position 1214, C replaced by T.
Protein change: p.Ala405Val; replaces alanine 405 with valine.
Molecular consequence: missense variant. On other transcripts: intron variant (1).
Genome position (GRCh38, 1-based): chr6:63,684,936, C>T. VCF-style: chr6-63684936-C-T. GRCh37 (hg19) VCF-style: chr6-64394837-C-T.
Other names: c.950C>T, p.Ala317Val (NM_001290259.2, NM_001370349.2); c.1214C>T, p.Ala405Val (NM_001290260.2, NM_015153.4); c.-5+4775C>T (NM_001370350.2); short protein forms A405V, A317V.
Identifiers: ClinVar variation 2304996 (VCV002304996.26), dbSNP rs140230222, ClinGen allele CA3875642.